The following is an entry in ClinVar:

NM_032043.3(BRIP1):c.35G>T (p.Gly12Val)

Gene: BRIP1 (BRCA1 interacting DNA helicase 1; minus strand). Cytogenetic location: 17q23.2.
Variant type: single nucleotide variant.
Coding change: c.35G>T on transcript NM_032043.3 (MANE Select); coding-DNA position 35, G replaced by T.
Protein change: p.Gly12Val; replaces glycine 12 with valine.
Molecular consequence: missense variant.
Genome position (GRCh38, 1-based): chr17:61,861,505, C>A on the plus strand (G>T on the coding strand, the complement: BRIP1 is on the minus strand). VCF-style: chr17-61861505-C-A. GRCh37 (hg19) VCF-style: chr17-59938866-C-A.
Other names: short protein forms G12V.
Identifiers: ClinVar variation 1733079 (VCV001733079.5), dbSNP rs1555618733, ClinGen allele CA400486025.

ClinVar aggregate classification (germline): Uncertain significance. Review status: criteria provided, multiple submitters, no conflicts (2 of 4 stars). 2 submissions from 2 submitters: Uncertain significance (2). Last evaluated 2025-12-02.

Conditions:
Hereditary cancer-predisposing syndrome. Also called: Neoplastic Syndromes, Hereditary; Tumor predisposition; Hereditary Cancer Syndrome; Hereditary neoplastic syndrome. Identifiers: Orphanet 140162, MedGen C0027672, MeSH D009386, MONDO:0015356.
Fanconi anemia complementation group J. Also called: BRIP1-Related Fanconi Anemia. Identifiers: Orphanet 84, MedGen C1836860, MONDO:0012187, OMIM 609054.
Familial cancer of breast. Also called: BREAST CANCER, FAMILIAL; Hereditary breast cancer; hereditary breast carcinoma. Identifiers: Orphanet 227535, MedGen C0346153, MONDO:0016419, OMIM 114480. Disease mechanism: loss of function.

Submissions (2):

Labcorp Genetics (formerly Invitae), Labcorp
Classification: Uncertain significance for Familial cancer of breast; Fanconi anemia complementation group J. Last evaluated: 2025-12-02. Review status: criteria provided, single submitter. Criteria: Invitae Variant Classification Sherloc (09022015). Collection method: clinical testing. Allele origin: germline.
Comment: This sequence change replaces glycine, which is neutral and non-polar, with valine, which is neutral and non-polar, at codon 12 of the BRIP1 protein (p.Gly12Val). This variant is not present in population databases (gnomAD no frequency). This variant has not been reported in the literature in individuals affected with BRIP1-related conditions. ClinVar contains an entry for this variant (Variation ID: 1733079). Invitae Evidence Modeling of protein sequence and biophysical properties (such as structural, functional, and spatial information, amino acid conservation, physicochemical variation, residue mobility, and thermodynamic stability) indicates that this missense variant is expected to disrupt BRIP1 protein function with a positive predictive value of 95%. In summary, the available evidence is currently insufficient to determine the role of this variant in disease. Therefore, it has been classified as a Variant of Uncertain Significance.

Ambry Genetics
Classification: Uncertain significance for Hereditary cancer-predisposing syndrome. Last evaluated: 2025-02-21. Review status: criteria provided, single submitter. Criteria: Ambry Variant Classification Scheme 2023. Collection method: clinical testing. Allele origin: germline.
Comment: The p.G12V variant (also known as c.35G>T), located in coding exon 1 of the BRIP1 gene, results from a G to T substitution at nucleotide position 35. The glycine at codon 12 is replaced by valine, an amino acid with dissimilar properties. This amino acid position is highly conserved in available vertebrate species. In addition, this alteration is predicted to be deleterious by in silico analysis. Since supporting evidence is limited at this time, the clinical significance of this alteration remains unclear.